The following is an entry in ClinVar:

NM_000110.4:c.850+23455_1128+8811del

Gene: DPYD (dihydropyrimidine dehydrogenase; minus strand).
Variant type: Deletion.
Other names: c.850+23455_1128+8811del (NM_000110.4).
Identifiers: ClinVar variation 2582686 (VCV002582686.1).

ClinVar aggregate classification (germline): Likely pathogenic (1 of 4 stars; one submission).

Conditions:
Dihydropyrimidine dehydrogenase deficiency (DPYDD). Also called: Hereditary Thymine-Uraciluria; DPD DEFICIENCY; DPYD DEFICIENCY. Identifiers: Orphanet 1675, MedGen C1959620, MONDO:0010130, OMIM 274270.

Submission:

Biochemical Genetics Department, Cyprus Institute of Neurology and Genetics
Classification: Likely pathogenic for Dihydropyrimidine dehydrogenase deficiency. Last evaluated: 2023-09-05. Review status: criteria provided, single submitter. Criteria: ACMG/ClinGen CNV Guidelines, 2019. Collection method: clinical testing. Allele origin: germline. Observed: 3 variant alleles, 2 heterozygotes, 1 homozygote.
Comment: The variant identified by CNV analysis and confirmed by MLPA and PCR/sequencing, involves the deletion of exons 9 and 10 in the transcript variant NM_000110.4 of the DPYD gene. As predicted by the NNsplice tool, the identified variant c.850+23455_1128+8811del [Chr1:(98049962-98121196)del (GRCh37)] does not seem to generate a new splice donor or acceptor site at the position of the breakpoints. The deletion is predicted to cause a shift in the reading frame resulting in a premature termination codon. This deletion eleminates the most important and functional domains of the enzyme which are essential for its catalytic activity. Using the technical standards for the interpretation and reporting of CNV variants from ACMG and ClinGen, this variant has been classified as likely pathogenic.